The following is an entry in ClinVar:

ClinVar aggregate classification (germline): Likely benign. Review status: criteria provided, single submitter (1 of 4 stars). 2 submissions from 2 submitters: Likely benign (1). 1 of the submissions does not count toward it. Last evaluated 2024-10-23.

Conditions:
IFT74-related disorder. Also called: IFT74-related condition; IFT74-Related Disorders.

Allele frequency attached by ClinVar (database versions not stated): ExAC 0.00001; TOPMed 0.00002; gnomAD 0.00003; ESP Exome Variant Server 0.00008.
gnomAD v4.1: 19 of 1,605,040 alleles (0.0012%); highest among the groups gnomAD compares: Non-Finnish European, 0.0015%; no homozygotes.

Submissions (2):

Labcorp Genetics (formerly Invitae), Labcorp
Classification: Likely benign. Last evaluated: 2024-10-23. Review status: criteria provided, single submitter. Criteria: Invitae Variant Classification Sherloc (09022015). Collection method: clinical testing. Allele origin: germline.

PreventionGenetics, part of Exact Sciences
Classification: Likely benign for IFT74-related condition. Last evaluated: 2021-12-29. Review status: no assertion criteria provided. Collection method: clinical testing. Allele origin: germline. Not counted in ClinVar's aggregate classification.
Comment: This variant is classified as likely benign based on ACMG/AMP sequence variant interpretation guidelines (Richards et al. 2015 PMID: 25741868, with internal and published modifications).

NM_025103.4(IFT74):c.807G>A (p.Gln269=)

Gene: IFT74 (intraflagellar transport 74; plus strand). Cytogenetic location: 9p21.2.
Variant type: single nucleotide variant.
Coding change: c.807G>A on transcript NM_025103.4 (MANE Select); coding-DNA position 807, G replaced by A.
Protein change: p.Gln269=; no amino-acid change (glutamine 269 retained).
Molecular consequence: synonymous variant.
Genome position (GRCh38, 1-based): chr9:27,016,924, G>A. VCF-style: chr9-27016924-G-A. GRCh37 (hg19) VCF-style: chr9-27016922-G-A.
Other names: c.807G>A, p.Gln269= (NM_001099222.3, NM_001099223.3, NM_001099224.3 and 1 more transcripts); c.807G>A (NM_025103.2).
Identifiers: ClinVar variation 1906485 (VCV001906485.7), dbSNP rs367956551, ClinGen allele CA5015412.